The following is an entry in ClinVar:

NM_000368.5(TSC1):c.2165A>G (p.Lys722Arg)

Gene: TSC1 (TSC complex subunit 1; minus strand). Cytogenetic location: 9q34.13.
Variant type: single nucleotide variant.
Coding change: c.2165A>G on transcript NM_000368.5 (MANE Select); coding-DNA position 2165, A replaced by G.
Protein change: p.Lys722Arg; replaces lysine 722 with arginine.
Molecular consequence: missense variant.
Genome position (GRCh38, 1-based): chr9:132,903,694, T>C on the plus strand (A>G on the coding strand, the complement: TSC1 is on the minus strand). VCF-style: chr9-132903694-T-C. GRCh37 (hg19) VCF-style: chr9-135779081-T-C.
Other names: c.2162A>G, p.Lys721Arg (NM_001162426.2); c.2012A>G, p.Lys671Arg (NM_001162427.2); c.1802A>G, p.Lys601Arg (NM_001362177.2); short protein forms K722R, K671R, K721R, K601R.
Identifiers: ClinVar variation 1487128 (VCV001487128.6), dbSNP rs2131760538, ClinGen allele CA375360798.

ClinVar aggregate classification (germline): Uncertain significance (1 of 4 stars; one submission).

Conditions:
Tuberous sclerosis 1 (TSC1). Identifiers: Orphanet 805, MedGen C1854465, MONDO:0008612, OMIM 191100.

Submission:

Labcorp Genetics (formerly Invitae), Labcorp
Classification: Uncertain significance for Tuberous sclerosis 1. Last evaluated: 2025-10-23. Review status: criteria provided, single submitter. Criteria: Invitae Variant Classification Sherloc (09022015). Collection method: clinical testing. Allele origin: germline.
Comment: This sequence change replaces lysine, which is basic and polar, with arginine, which is basic and polar, at codon 722 of the TSC1 protein (p.Lys722Arg). This variant is not present in population databases (gnomAD no frequency). This variant has not been reported in the literature in individuals affected with TSC1-related conditions. ClinVar contains an entry for this variant (Variation ID: 1487128). Invitae Evidence Modeling of protein sequence and biophysical properties (such as structural, functional, and spatial information, amino acid conservation, physicochemical variation, residue mobility, and thermodynamic stability) indicates that this missense variant is not expected to disrupt TSC1 protein function with a negative predictive value of 95%. In summary, the available evidence is currently insufficient to determine the role of this variant in disease. Therefore, it has been classified as a Variant of Uncertain Significance.